The following is an entry in ClinVar:

ClinVar aggregate classification (germline): Uncertain significance (1 of 4 stars; one submission).

Submission:

Dasa
Classification: Uncertain significance. Last evaluated: 2026-02-17. Review status: criteria provided, single submitter. Criteria: DASA Assertion Criteria. Collection method: clinical testing. Allele origin: germline.
Comment: NM_173566.3(PRR14L):c.174T>A (p.Ser58Arg) is a missense variant that results in the substitution of serine with arginine. This variant is rare in population databases. The currently available literature and clinical evidence are not sufficient to establish a definitive association between this variant and the reported condition. Therefore, this variant is classified as a variant of uncertain significance.

NM_173566.3(PRR14L):c.174T>A (p.Ser58Arg)

Gene: PRR14L (proline rich 14 like; minus strand). Cytogenetic location: 22q12.2.
Variant type: single nucleotide variant.
Coding change: c.174T>A on transcript NM_173566.3 (MANE Select); coding-DNA position 174, T replaced by A.
Protein change: p.Ser58Arg; replaces serine 58 with arginine.
Molecular consequence: missense variant.
Genome position (GRCh38, 1-based): chr22:31,738,687, A>T on the plus strand (T>A on the coding strand, the complement: PRR14L is on the minus strand). VCF-style: chr22-31738687-A-T. GRCh37 (hg19) VCF-style: chr22-32134673-A-T.
Other names: short protein forms S58R.
Identifiers: ClinVar variation 4886202 (VCV004886202.2).